The following is an entry in ClinVar:

ClinVar aggregate classification (germline): Likely benign. Review status: criteria provided, multiple submitters, no conflicts (2 of 4 stars). 2 submissions from 2 submitters: Likely benign (2). Last evaluated 2025-12-26.

Conditions:
CEP83-related disorder. Also called: CEP83-related condition.
Nephronophthisis 18 (NPHP18). Identifiers: Orphanet 655, MedGen C3890591, MONDO:0014374, OMIM 615862.

Allele frequency attached by ClinVar (database versions not stated): gnomAD exomes 0.00001 and 0.00002; gnomAD 0.00002; TOPMed 0.00004; ExAC 0.00005; ESP Exome Variant Server 0.00009.
gnomAD v4.1: 21 of 1,570,226 alleles (0.0013%); highest among the groups gnomAD compares: African/African-American, 0.0054%; no homozygotes.

Submissions (2):

PreventionGenetics, part of Exact Sciences
Classification: Likely benign for CEP83-related condition. Last evaluated: 2025-12-26. Review status: criteria provided, single submitter. Criteria: ACMG Guidelines, 2015. Collection method: clinical testing. Allele origin: germline.
Comment: This variant is classified as likely benign based on ACMG/AMP sequence variant interpretation guidelines (Richards et al. 2015 PMID: 25741868, with internal and published modifications).

Labcorp Genetics (formerly Invitae), Labcorp
Classification: Likely benign for Nephronophthisis 18. Last evaluated: 2024-11-15. Review status: criteria provided, single submitter. Criteria: Invitae Variant Classification Sherloc (09022015). Collection method: clinical testing. Allele origin: germline.

NM_016122.3(CEP83):c.852A>G (p.Leu284=)

Gene: CEP83 (centrosomal protein 83; minus strand). Cytogenetic location: 12q22.
Variant type: single nucleotide variant.
Coding change: c.852A>G on transcript NM_016122.3 (MANE Select); coding-DNA position 852, A replaced by G.
Protein change: p.Leu284=; no amino-acid change (leucine 284 retained).
Molecular consequence: synonymous variant. On other transcripts: non-coding transcript variant (2).
Genome position (GRCh38, 1-based): chr12:94,375,967, T>C on the plus strand (A>G on the coding strand, the complement: CEP83 is on the minus strand). VCF-style: chr12-94375967-T-C. GRCh37 (hg19) VCF-style: chr12-94769743-T-C.
Other names: c.852A>G, p.Leu284= (NM_001042399.2, NM_001346457.2, NM_001346460.2 and 3 more transcripts); c.540A>G, p.Leu180= (NM_001346458.2, NM_001346459.2, NM_001346462.2 and 2 more transcripts); c.627A>G, p.Leu209= (NM_001368041.1); c.315A>G, p.Leu105= (NM_001368042.1); c.852A>G (NM_016122.2).
Identifiers: ClinVar variation 1156351 (VCV001156351.10), dbSNP rs370191290, ClinGen allele CA6721815.